The following is an entry in ClinVar:

NM_001018115.3(FANCD2):c.943C>T (p.Arg315Trp)

Genes: FANCD2 (FA complementation group D2; plus strand), LOC107303338 (3p25 FANCD2 Alu-mediated recombination region; plus strand). Cytogenetic location: 3p25.3.
Variant type: single nucleotide variant.
Coding change: c.943C>T on transcript NM_001018115.3 (MANE Select); coding-DNA position 943, C replaced by T.
Protein change: p.Arg315Trp; replaces arginine 315 with tryptophan.
Molecular consequence: missense variant.
Genome position (GRCh38, 1-based): chr3:10,043,104, C>T. VCF-style: chr3-10043104-C-T. GRCh37 (hg19) VCF-style: chr3-10084788-C-T.
Other names: c.943C>T, p.Arg315Trp (NM_001319984.2, NM_001374253.1, NM_001374254.1 and 1 more transcripts); short protein forms R315W.
Identifiers: ClinVar variation 957920 (VCV000957920.8), dbSNP rs778865461, ClinGen allele CA2249418.

ClinVar aggregate classification (germline): Uncertain significance. Review status: criteria provided, multiple submitters, no conflicts (2 of 4 stars). 2 submissions from 2 submitters: Uncertain significance (2). Last evaluated 2025-11-03.

Conditions:
Fanconi anemia (FA). Also called: Fanconi's anemia. Identifiers: Orphanet 84, MedGen C0015625, MeSH D005199, MONDO:0019391.
Fanconi anemia complementation group D2. Also called: FANCD2-Related Fanconi Anemia; FANCONI PANCYTOPENIA, TYPE 4; FANCONI ANEMIA, COMPLEMENTATION GROUP D. Identifiers: Orphanet 84, MedGen C3160738, MONDO:0009214, OMIM 227646.

Allele frequency attached by ClinVar (database versions not stated): ExAC 0.00003; gnomAD exomes 0.00003 and 0.00004; gnomAD 0.00005; TOPMed 0.00006.
gnomAD v4.1: 52 of 1,613,914 alleles (0.0032%); highest among the groups gnomAD compares: South Asian, 0.016%; 1 homozygote.

Submissions (2):

Labcorp Genetics (formerly Invitae), Labcorp
Classification: Uncertain significance for Fanconi anemia. Last evaluated: 2025-11-03. Review status: criteria provided, single submitter. Criteria: Invitae Variant Classification Sherloc (09022015). Collection method: clinical testing. Allele origin: germline.
Comment: This sequence change replaces arginine, which is basic and polar, with tryptophan, which is neutral and slightly polar, at codon 315 of the FANCD2 protein (p.Arg315Trp). This variant is present in population databases (rs778865461, gnomAD 0.01%). This variant has not been reported in the literature in individuals affected with FANCD2-related conditions. ClinVar contains an entry for this variant (Variation ID: 957920). An algorithm developed to predict the effect of missense changes on protein structure and function outputs the following: PolyPhen-2: "Benign". The tryptophan amino acid residue is found in multiple mammalian species, which suggests that this missense change does not adversely affect protein function. In summary, the available evidence is currently insufficient to determine the role of this variant in disease. Therefore, it has been classified as a Variant of Uncertain Significance.

Fulgent Genetics
Classification: Uncertain significance for Fanconi anemia complementation group D2. Last evaluated: 2021-09-27. Review status: criteria provided, single submitter. Criteria: ACMG Guidelines, 2015. Collection method: clinical testing. Allele origin: unknown.